The following is an entry in ClinVar:

ClinVar aggregate classification (germline): Conflicting classifications of pathogenicity. Review status: criteria provided, conflicting classifications (1 of 4 stars). 3 submissions from 3 submitters: Uncertain significance (2); Likely benign (1). Last evaluated 2026-03-01.

Conditions:
Inborn genetic diseases. Identifiers: MedGen C0950123, MeSH D030342.

Allele frequency attached by ClinVar (database versions not stated): 1000 Genomes Project 30x 0.00047; TOPMed 0.00048; gnomAD 0.00055; 1000 Genomes Project 0.00060; gnomAD exomes 0.00074; ExAC 0.00153.
gnomAD v4.1: 1,099 of 1,528,792 alleles (0.072%); highest among the groups gnomAD compares: South Asian, 0.26%; 3 homozygotes.

Submissions (3):

CeGaT Center for Human Genetics Tuebingen
Classification: Likely benign. Last evaluated: 2026-03-01. Review status: criteria provided, single submitter. Criteria: CeGaT Center For Human Genetics Tuebingen Variant Classification Criteria Version 2. Collection method: clinical testing. Allele origin: germline. Affected: yes. Observed: 2 variant alleles.
Comment: HYDIN: BP4, BS2

Ambry Genetics
Classification: Uncertain significance for Inborn genetic diseases. Last evaluated: 2025-08-14. Review status: criteria provided, single submitter. Criteria: Ambry Variant Classification Scheme 2023. Collection method: clinical testing. Allele origin: germline.

GeneDx
Classification: Uncertain significance. Last evaluated: 2024-06-07. Review status: criteria provided, single submitter. Criteria: GeneDx Variant Classification Process June 2021. Collection method: clinical testing. Allele origin: germline. Affected: yes.
Comment: In silico analysis indicates that this missense variant does not alter protein structure/function; Has not been previously published as pathogenic or benign to our knowledge

NM_001270974.2(HYDIN):c.2281A>T (p.Thr761Ser)

Gene: HYDIN (HYDIN axonemal central pair apparatus protein; minus strand). Cytogenetic location: 16q22.2.
Variant type: single nucleotide variant.
Coding change: c.2281A>T on transcript NM_001270974.2 (MANE Select); coding-DNA position 2281, A replaced by T.
Protein change: p.Thr761Ser; replaces threonine 761 with serine.
Molecular consequence: missense variant.
Genome position (GRCh38, 1-based): chr16:71,062,264, T>A on the plus strand (A>T on the coding strand, the complement: HYDIN is on the minus strand). VCF-style: chr16-71062264-T-A. GRCh37 (hg19) VCF-style: chr16-71096167-T-A.
Other names: c.2362A>T, p.Thr788Ser (NM_001198542.1); c.2332A>T, p.Thr778Ser (NM_001198543.1); c.2281A>T, p.Thr761Ser (NM_017558.5); short protein forms T778S, T761S, T788S.
Identifiers: ClinVar variation 3107730 (VCV003107730.16), dbSNP rs200347208, ClinGen allele CA8151078.